The following is an entry in ClinVar:

NM_013382.7(POMT2):c.248G>A (p.Cys83Tyr)

Gene: POMT2 (protein O-mannosyltransferase 2; minus strand). Cytogenetic location: 14q24.3.
Variant type: single nucleotide variant.
Coding change: c.248G>A on transcript NM_013382.7 (MANE Select); coding-DNA position 248, G replaced by A.
Protein change: p.Cys83Tyr; replaces cysteine 83 with tyrosine.
Molecular consequence: missense variant.
Genome position (GRCh38, 1-based): chr14:77,320,434, C>T on the plus strand (G>A on the coding strand, the complement: POMT2 is on the minus strand). VCF-style: chr14-77320434-C-T. GRCh37 (hg19) VCF-style: chr14-77786777-C-T.
Other names: short protein forms C83Y.
Identifiers: ClinVar variation 4536307 (VCV004536307.2).
Genomic context (GRCh38, chr14:77,320,434, plus strand): 5'-CAGAGGGCGGCGTCCCGTCGCGGTTGCCATGGTGCCCGCCGAGTCCCTCCCATCACTCAC[C>T]AGATGTGCGGCGGCTCGTCCAAGCGGTGGAAGCGGGTGGCGAAGGACAGCAGCGTCACCA-3'
Protein context (NP_037514.2, residues 73-93): FHRLDEPPHI[Cys83Tyr]WDETHFGKMG

ClinVar aggregate classification (germline): Uncertain significance. Review status: criteria provided, multiple submitters, no conflicts (2 of 4 stars). 2 submissions from 2 submitters: Uncertain significance (2). Last evaluated 2025-06-08.

gnomAD v4.1: 4 of 1,546,666 alleles (0.00026%); highest among the groups gnomAD compares: African/African-American, 0.0014%; no homozygotes.

Submissions (2):

GeneDx
Classification: Uncertain significance. Last evaluated: 2025-06-08. Review status: criteria provided, single submitter. Criteria: GeneDx Variant Classification Process June 2021. Collection method: clinical testing. Allele origin: germline. Affected: yes.
Comment: Not observed at significant frequency in large population cohorts (gnomAD); In silico analysis supports that this missense variant has a deleterious effect on protein structure/function; Has not been previously published as pathogenic or benign to our knowledge; This variant is associated with the following publications: (PMID: 17923109)

Blueprint Genetics
Classification: Uncertain significance. Last evaluated: 2022-01-28. Review status: criteria provided, single submitter. Criteria: ACMG Guidelines, 2015. Collection method: clinical testing. Allele origin: germline.